The following is an entry in ClinVar:

ClinVar aggregate classification (germline): Uncertain significance (1 of 4 stars; one submission).

Allele frequency attached by ClinVar (database versions not stated): gnomAD exomes below 0.00001.
gnomAD v4.1: 1 of 1,614,236 alleles (0.000062%); highest among the groups gnomAD compares: Middle Eastern, 0.016%; no homozygotes.

Submission:

Ambry Genetics
Classification: Uncertain significance. Last evaluated: 2021-12-29. Review status: criteria provided, single submitter. Criteria: Ambry Variant Classification Scheme 2023. Collection method: clinical testing. Allele origin: germline.
Comment: The p.C565R variant (also known as c.1693T>C), located in coding exon 3 of the ALPK2 gene, results from a T to C substitution at nucleotide position 1693. The cysteine at codon 565 is replaced by arginine, an amino acid with highly dissimilar properties. This amino acid position is conserved. In addition, this alteration is predicted to be tolerated by in silico analysis. Since supporting evidence is limited at this time, the clinical significance of this alteration remains unclear.

NM_052947.4(ALPK2):c.1693T>C (p.Cys565Arg)

Gene: ALPK2 (alpha kinase 2; minus strand). Cytogenetic location: 18q21.31.
Variant type: single nucleotide variant.
Coding change: c.1693T>C on transcript NM_052947.4 (MANE Select); coding-DNA position 1693, T replaced by C.
Protein change: p.Cys565Arg; replaces cysteine 565 with arginine.
Molecular consequence: missense variant.
Genome position (GRCh38, 1-based): chr18:58,579,083, A>G on the plus strand (T>C on the coding strand, the complement: ALPK2 is on the minus strand). VCF-style: chr18-58579083-A-G. GRCh37 (hg19) VCF-style: chr18-56246315-A-G.
Other names: short protein forms C565R.
Identifiers: ClinVar variation 1778187 (VCV001778187.2), dbSNP rs2518898677, ClinGen allele CA402560825.